The following is an entry in ClinVar:

ClinVar aggregate classification (germline): Uncertain significance (1 of 4 stars; one submission).

Conditions:
Fanconi anemia (FA). Also called: Fanconi's anemia. Identifiers: Orphanet 84, MedGen C0015625, MeSH D005199, MONDO:0019391.

Submission:

Labcorp Genetics (formerly Invitae), Labcorp
Classification: Uncertain significance for Fanconi anemia. Last evaluated: 2024-04-22. Review status: criteria provided, single submitter. Criteria: Invitae Variant Classification Sherloc (09022015). Collection method: clinical testing. Allele origin: germline.
Comment: This sequence change replaces methionine, which is neutral and non-polar, with valine, which is neutral and non-polar, at codon 823 of the FANCB protein (p.Met823Val). This variant is not present in population databases (gnomAD no frequency). This variant has not been reported in the literature in individuals affected with FANCB-related conditions. Advanced modeling of protein sequence and biophysical properties (such as structural, functional, and spatial information, amino acid conservation, physicochemical variation, residue mobility, and thermodynamic stability) performed at Invitae indicates that this missense variant is not expected to disrupt FANCB protein function with a negative predictive value of 80%. In summary, the available evidence is currently insufficient to determine the role of this variant in disease. Therefore, it has been classified as a Variant of Uncertain Significance.

NM_001018113.3(FANCB):c.2467A>G (p.Met823Val)

Gene: FANCB (FA complementation group B; minus strand). Cytogenetic location: Xp22.2.
Variant type: single nucleotide variant.
Coding change: c.2467A>G on transcript NM_001018113.3 (MANE Select); coding-DNA position 2467, A replaced by G.
Protein change: p.Met823Val; replaces methionine 823 with valine.
Molecular consequence: missense variant.
Genome position (GRCh38, 1-based): chrX:14,843,680, T>C on the plus strand (A>G on the coding strand, the complement: FANCB is on the minus strand). VCF-style: chrX-14843680-T-C. GRCh37 (hg19) VCF-style: chrX-14861802-T-C.
Other names: c.2467A>G, p.Met823Val (NM_001324162.2, NM_001410764.1, NM_152633.4); short protein forms M823V.
Identifiers: ClinVar variation 2889224 (VCV002889224.3), dbSNP rs755077854, ClinGen allele CA412437223.